The following is an entry in ClinVar:

NM_006648.4(WNK2):c.4196C>A (p.Ala1399Glu)

Gene: WNK2 (WNK lysine deficient protein kinase 2; plus strand). Cytogenetic location: 9q22.31.
Variant type: single nucleotide variant.
Coding change: c.4196C>A on transcript NM_006648.4 (MANE Select); coding-DNA position 4196, C replaced by A.
Protein change: p.Ala1399Glu; replaces alanine 1399 with glutamic acid.
Molecular consequence: missense variant.
Genome position (GRCh38, 1-based): chr9:93,288,950, C>A. VCF-style: chr9-93288950-C-A. GRCh37 (hg19) VCF-style: chr9-96051232-C-A.
Other names: c.4307C>A, p.Ala1436Glu (NM_001282394.3); short protein forms A1399E, A1436E.
Identifiers: ClinVar variation 3982040 (VCV003982040.1).

ClinVar aggregate classification (germline): Uncertain significance (1 of 4 stars; one submission).

gnomAD v4.1: 1 of 1,604,290 alleles (0.000062%); highest among the groups gnomAD compares: Non-Finnish European, 0.000085%; no homozygotes.

Submission:

Ambry Genetics
Classification: Uncertain significance. Last evaluated: 2025-05-16. Review status: criteria provided, single submitter. Criteria: Ambry Variant Classification Scheme 2023. Collection method: clinical testing. Allele origin: germline.
Comment: The p.A1399E variant (also known as c.4196C>A), located in coding exon 19 of the WNK2 gene, results from a C to A substitution at nucleotide position 4196. The alanine at codon 1399 is replaced by glutamic acid, an amino acid with dissimilar properties. This amino acid position is conserved. In addition, this alteration is predicted to be tolerated by in silico analysis. Based on the available evidence, the clinical significance of this variant remains unclear.